The following is an entry in ClinVar:

ClinVar aggregate classification (germline): Pathogenic (1 of 4 stars; one submission).

Conditions:
Ataxia-telangiectasia syndrome (AT). Also called: Cerebello-oculocutaneous telangiectasia; Immunodeficiency with ataxia telangiectasia; ATAXIA-TELANGIECTASIA, FRESNO VARIANT; Ataxia-telangiectasia, complementation group D; Ataxia telangiectasia (A-T); LOUIS-BAR SYNDROME. Identifiers: Orphanet 100, MedGen C0004135, MONDO:0008840, OMIM 208900.

Submission:

Labcorp Genetics (formerly Invitae), Labcorp
Classification: Pathogenic for Ataxia-telangiectasia syndrome. Last evaluated: 2025-08-03. Review status: criteria provided, single submitter. Criteria: Invitae Variant Classification Sherloc (09022015). Collection method: clinical testing. Allele origin: germline.
Comment: This sequence change inserts a large fragment of DNA, likely a transposable element, in exon 19 of the ATM gene (c.2852_2853ins?), causing a frameshift at codon 951 (p.Leu951fs). The exact size and sequence of the insertion cannot be determined by the current assay. However, the insertion is expected to result in an absent or disrupted protein product. This variant is not present in population databases (gnomAD no frequency). This variant has not been reported in the literature in individuals affected with ATM-related conditions. ClinVar contains an entry for this variant (Variation ID: 1073340). Retrotransposon insertions including LINE1 (L1), Alu, and SVA (SINE-VNTR-Alu) have been reported to be disease-causing through disruption of either a coding region or splice site (PMID: 19763152, 20307669, 22406018) and loss-of-function variants in ATM are known to be pathogenic (PMID: 23807571, 25614872). For these reasons, this variant has been classified as Pathogenic.

Literature cited by the submitters: PubMed 19763152; PubMed 20307669; PubMed 22406018; PubMed 23807571; PubMed 25614872.

NC_000011.10:g.108271077_108271078insTTTTTTTTTTTTTTTTTTGANNNNNNNNNNTAGAGACGGGGTTTCACCGTTTTAGCCGGGATGGTCTCGATCTCCTGACCTCGTGATCCGCCCGCCTCGGCCTCCCAAAGTGCTGGGATTACAGGCGTGAGCCACCGCGCCCGGCCAGTATCTAATGCTTTT

Gene: ATM (ATM serine/threonine kinase; plus strand). Cytogenetic location: 11q22.3.
Variant type: Insertion.
Genome position: GRCh38: chr11:108,271,077-108,271,078. GRCh37 (hg19): chr11:108,141,804-108,141,805.
Identifiers: ClinVar variation 1073340 (VCV001073340.7), dbSNP rs2135547194.